The following is an entry in ClinVar:

ClinVar aggregate classification (germline): Uncertain significance (1 of 4 stars; one submission).

Conditions:
Xanthinuria type II. Also called: Xanthine dehydrogenase and aldehyde oxidase combined deficiency of; XDH and AOX dual deficiency. Identifiers: Orphanet 3467, Orphanet 93602, MedGen C1863688, MONDO:0011346, OMIM 603592.

gnomAD v4.1: 2 of 1,614,066 alleles (0.00012%); highest among the groups gnomAD compares: African/African-American, 0.0013%; no homozygotes.

Submission:

Labcorp Genetics (formerly Invitae), Labcorp
Classification: Uncertain significance for Xanthinuria type II. Last evaluated: 2022-11-22. Review status: criteria provided, single submitter. Criteria: Invitae Variant Classification Sherloc (09022015). Collection method: clinical testing. Allele origin: germline.
Comment: In summary, the available evidence is currently insufficient to determine the role of this variant in disease. Therefore, it has been classified as a Variant of Uncertain Significance. Algorithms developed to predict the effect of missense changes on protein structure and function are either unavailable or do not agree on the potential impact of this missense change (SIFT: "Deleterious"; PolyPhen-2: "Probably Damaging"; Align-GVGD: "Class C0"). ClinVar contains an entry for this variant (Variation ID: 1419583). This variant has not been reported in the literature in individuals affected with XDH-related conditions. This variant is not present in population databases (gnomAD no frequency). This sequence change replaces glutamic acid, which is acidic and polar, with aspartic acid, which is acidic and polar, at codon 45 of the XDH protein (p.Glu45Asp).

NM_000379.4(XDH):c.135G>C (p.Glu45Asp)

Gene: XDH (xanthine dehydrogenase; minus strand). Cytogenetic location: 2p23.1.
Variant type: single nucleotide variant.
Coding change: c.135G>C on transcript NM_000379.4 (MANE Select); coding-DNA position 135, G replaced by C.
Protein change: p.Glu45Asp; replaces glutamic acid 45 with aspartic acid.
Molecular consequence: missense variant.
Genome position (GRCh38, 1-based): chr2:31,403,110, C>G on the plus strand (G>C on the coding strand, the complement: XDH is on the minus strand). VCF-style: chr2-31403110-C-G. GRCh37 (hg19) VCF-style: chr2-31625976-C-G.
Other names: short protein forms E45D.
Identifiers: ClinVar variation 1419583 (VCV001419583.8), dbSNP rs150847028, ClinGen allele CA44733694.